The following is an entry in ClinVar:

ClinVar aggregate classification (germline): Uncertain significance (1 of 4 stars; one submission).

gnomAD v4.1: 1 of 1,587,774 alleles (0.000063%); highest among the groups gnomAD compares: Non-Finnish European, 0.000086%; no homozygotes.

Submission:

Labcorp Genetics (formerly Invitae), Labcorp
Classification: Uncertain significance. Last evaluated: 2025-10-03. Review status: criteria provided, single submitter. Criteria: Invitae Variant Classification Sherloc (09022015). Collection method: clinical testing. Allele origin: germline.
Comment: This sequence change replaces serine, which is neutral and polar, with tyrosine, which is neutral and polar, at codon 205 of the TERF2IP protein (p.Ser205Tyr). This variant is not present in population databases (gnomAD no frequency). This variant has not been reported in the literature in individuals affected with TERF2IP-related conditions. An algorithm developed to predict the effect of missense changes on protein structure and function (PolyPhen-2) suggests that this variant is likely to be disruptive. In summary, the available evidence is currently insufficient to determine the role of this variant in disease. Therefore, it has been classified as a Variant of Uncertain Significance.

NM_018975.4(TERF2IP):c.614C>A (p.Ser205Tyr)

Gene: TERF2IP (TERF2 interacting protein; plus strand). Cytogenetic location: 16q23.1.
Variant type: single nucleotide variant.
Coding change: c.614C>A on transcript NM_018975.4 (MANE Select); coding-DNA position 614, C replaced by A.
Protein change: p.Ser205Tyr; replaces serine 205 with tyrosine.
Molecular consequence: missense variant. On other transcripts: non-coding transcript variant (1).
Genome position (GRCh38, 1-based): chr16:75,648,496, C>A. VCF-style: chr16-75648496-C-A. GRCh37 (hg19) VCF-style: chr16-75682394-C-A.
Other names: short protein forms S205Y.
Identifiers: ClinVar variation 4724154 (VCV004724154.1).
Genomic context (GRCh38, chr16:75,648,496, plus strand): 5'-TCAAGCACCTGCGGGGCCAGGAGCATAAGTACCTGCTGGGGGACGCGCCGGTGAGCCCCT[C>A]CTCCCAGAAGCTCAAGCGGAAGGCGGAGGAGGACCCGGAGGCCGCGGATAGCGGGGGTGA-3'
Protein context (NP_061848.2, residues 195-215): YLLGDAPVSP[Ser205Tyr]SQKLKRKAEE